The following is an entry in ClinVar:

NM_000169.3(GLA):c.668G>T (p.Cys223Phe)

Genes: GLA (galactosidase alpha; minus strand), RPL36A-HNRNPH2 (RPL36A-HNRNPH2 readthrough; plus strand). Cytogenetic location: Xq22.1.
Variant type: single nucleotide variant.
Coding change: c.668G>T on transcript NM_000169.3 (MANE Select); coding-DNA position 668, G replaced by T.
Protein change: p.Cys223Phe; replaces cysteine 223 with phenylalanine.
Molecular consequence: missense variant. On other transcripts: non-coding transcript variant (3), intron variant (2).
Genome position (GRCh38, 1-based): chrX:101,398,918, C>A on the plus strand (G>T on the coding strand, the complement: GLA is on the minus strand). VCF-style: chrX-101398918-C-A. GRCh37 (hg19) VCF-style: chrX-100653906-C-A.
Other names: c.791G>T, p.Cys264Phe (NM_001406747.1); c.668G>T, p.Cys223Phe (NM_001406748.1); c.300+3461C>A (NM_001199973.2); c.177+7096C>A (NM_001199974.2); short protein forms C223F, C264F.
Identifiers: ClinVar variation 4087457 (VCV004087457.2).

ClinVar aggregate classification (germline): Likely pathogenic (1 of 4 stars; one submission).

Conditions:
Fabry disease. Also called: ALPHA-GALACTOSIDASE A DEFICIENCY; ANDERSON-FABRY DISEASE; CERAMIDE TRIHEXOSIDASE DEFICIENCY; GLA DEFICIENCY; HEREDITARY DYSTOPIC LIPIDOSIS; Angiokeratoma corporis diffusum. Identifiers: Orphanet 324, MedGen C0002986, MONDO:0010526, OMIM 301500, HP:0001071. Disease mechanism: Fabry disease is due to inactivating mutations in the X-linked GLA gene resulting in deficiency of the enzyme Alpha Galactosidase-A., loss of function.

Submission:

Genomenon, Inc
Classification: Likely pathogenic for Fabry disease. Last evaluated: 2026-09-08. Review status: criteria provided, single submitter. Criteria: Genomenon Sequence Variant Interpretation Standards - Updated. Collection method: curation. Allele origin: germline. Affected: yes.
Comment: GLA p.Cys223Phe (c.668G>T) is a missense variant that changes the amino acid at codon 223 from Cysteine to Phenylalanine. This variant has been observed in at least one proband with clinical features consistent with Fabry disease (PMID:30386727). This variant is located in a mutational hotspot and/or important functional domain. It is absent or not present at a significant frequency in gnomAD. In silico models predict that this variant is possibly or probably damaging. In conclusion, we classify GLA p.Cys223Phe (c.668G>T) as a likely pathogenic variant.

Literature cited by the submitters: PubMed 30386727.